The following is an entry in ClinVar:

NM_004100.5(EYA4):c.243G>C (p.Trp81Cys)

Gene: EYA4 (EYA transcriptional coactivator and phosphatase 4; plus strand). Cytogenetic location: 6q23.2.
Variant type: single nucleotide variant.
Coding change: c.243G>C on transcript NM_004100.5 (MANE Select); coding-DNA position 243, G replaced by C.
Protein change: p.Trp81Cys; replaces tryptophan 81 with cysteine.
Molecular consequence: missense variant. On other transcripts: intron variant (4).
Genome position (GRCh38, 1-based): chr6:133,448,145, G>C. VCF-style: chr6-133448145-G-C. GRCh37 (hg19) VCF-style: chr6-133769283-G-C.
Other names: c.243G>C, p.Trp81Cys (NM_001301013.2, NM_172105.4); c.208+1391G>C (NM_001370458.1, NM_172103.4, NM_001370459.1 and 1 more transcripts); short protein forms W81C.
Identifiers: ClinVar variation 1518461 (VCV001518461.8), dbSNP rs2128626064, ClinGen allele CA365838254.

ClinVar aggregate classification (germline): Uncertain significance (1 of 4 stars; one submission).

Conditions:
Dilated cardiomyopathy 1J (CMD1J). Also called: CARDIOMYOPATHY, DILATED, WITH SENSORINEURAL HEARING LOSS, AUTOSOMAL DOMINANT. Identifiers: Orphanet 217622, MedGen C1854368, MONDO:0011541, OMIM 605362.

Submission:

Labcorp Genetics (formerly Invitae), Labcorp
Classification: Uncertain significance for Dilated cardiomyopathy 1J. Last evaluated: 2021-03-23. Review status: criteria provided, single submitter. Criteria: Invitae Variant Classification Sherloc (09022015). Collection method: clinical testing. Allele origin: germline.
Comment: In summary, the available evidence is currently insufficient to determine the role of this variant in disease. Therefore, it has been classified as a Variant of Uncertain Significance. Algorithms developed to predict the effect of missense changes on protein structure and function are either unavailable or do not agree on the potential impact of this missense change (SIFT: "Tolerated"; PolyPhen-2: "Probably Damaging"; Align-GVGD: "Class C0"). This variant has not been reported in the literature in individuals with EYA4-related conditions. This variant is not present in population databases (ExAC no frequency). This sequence change replaces tryptophan with cysteine at codon 81 of the EYA4 protein (p.Trp81Cys). The tryptophan residue is weakly conserved and there is a large physicochemical difference between tryptophan and cysteine.